The following is an entry in ClinVar:

ClinVar aggregate classification (germline): Uncertain significance (1 of 4 stars; one submission).

Submission:

Labcorp Genetics (formerly Invitae), Labcorp
Classification: Uncertain significance. Last evaluated: 2022-04-06. Review status: criteria provided, single submitter. Criteria: Invitae Variant Classification Sherloc (09022015). Collection method: clinical testing. Allele origin: germline.
Comment: In summary, the available evidence is currently insufficient to determine the role of this variant in disease. Therefore, it has been classified as a Variant of Uncertain Significance. Algorithms developed to predict the effect of missense changes on protein structure and function are either unavailable or do not agree on the potential impact of this missense change (SIFT: "Tolerated"; PolyPhen-2: "Probably Damaging"; Align-GVGD: "Class C15"). This variant has not been reported in the literature in individuals affected with RAB28-related conditions. This variant is not present in population databases (gnomAD no frequency). This sequence change replaces serine, which is neutral and polar, with arginine, which is basic and polar, at codon 155 of the RAB28 protein (p.Ser155Arg).

NM_001017979.3(RAB28):c.465C>G (p.Ser155Arg)

Gene: RAB28 (RAB28, member RAS oncogene family; minus strand). Cytogenetic location: 4p15.33.
Variant type: single nucleotide variant.
Coding change: c.465C>G on transcript NM_001017979.3 (MANE Select); coding-DNA position 465, C replaced by G.
Protein change: p.Ser155Arg; replaces serine 155 with arginine.
Molecular consequence: missense variant.
Genome position (GRCh38, 1-based): chr4:13,381,521, G>C on the plus strand (C>G on the coding strand, the complement: RAB28 is on the minus strand). VCF-style: chr4-13381521-G-C. GRCh37 (hg19) VCF-style: chr4-13383145-G-C.
Other names: c.465C>G, p.Ser155Arg (NM_001159601.2, NM_004249.4); short protein forms S155R.
Identifiers: ClinVar variation 2122106 (VCV002122106.4), dbSNP rs559847820, ClinGen allele CA356404872.